The following is an entry in ClinVar:

NM_133433.4(NIPBL):c.3674A>G (p.Asp1225Gly)

Gene: NIPBL (NIPBL cohesin loading factor; plus strand). Cytogenetic location: 5p13.2.
Variant type: single nucleotide variant.
Coding change: c.3674A>G on transcript NM_133433.4 (MANE Select); coding-DNA position 3674, A replaced by G.
Protein change: p.Asp1225Gly; replaces aspartic acid 1225 with glycine.
Molecular consequence: missense variant.
Genome position (GRCh38, 1-based): chr5:37,002,671, A>G. VCF-style: chr5-37002671-A-G. GRCh37 (hg19) VCF-style: chr5-37002773-A-G.
Other names: c.3674A>G, p.Asp1225Gly (NM_001438586.1, NM_015384.5); short protein forms D1225G.
Identifiers: ClinVar variation 4717068 (VCV004717068.2).

ClinVar aggregate classification (germline): Conflicting classifications of pathogenicity. Review status: criteria provided, conflicting classifications (1 of 4 stars). 2 submissions from 2 submitters: Uncertain significance (1); Likely benign (1). Last evaluated 2025-04-11.

Conditions:
Cornelia de Lange syndrome 1 (CDLS1). Also called: TYPUS DEGENERATIVUS AMSTELODAMENSIS; Brachmann de Lange syndrome; NIPBL-Related Cornelia de Lange Syndrome. Identifiers: Orphanet 199, MedGen C4551851, MONDO:0007387, OMIM 122470.

gnomAD v4.1: 44 of 1,607,738 alleles (0.0027%); highest among the groups gnomAD compares: South Asian, 0.044%; no homozygotes.

Submissions (2):

Labcorp Genetics (formerly Invitae), Labcorp
Classification: Uncertain significance for Cornelia de Lange syndrome 1. Last evaluated: 2025-04-11. Review status: criteria provided, single submitter. Criteria: Invitae Variant Classification Sherloc (09022015). Collection method: clinical testing. Allele origin: germline.
Comment: This sequence change replaces aspartic acid, which is acidic and polar, with glycine, which is neutral and non-polar, at codon 1225 of the NIPBL protein (p.Asp1225Gly). This variant is present in population databases (rs762912820, gnomAD 0.02%). This variant has not been reported in the literature in individuals affected with NIPBL-related conditions. Invitae Evidence Modeling of protein sequence and biophysical properties (such as structural, functional, and spatial information, amino acid conservation, physicochemical variation, residue mobility, and thermodynamic stability) has been performed for this missense variant. However, the output from this modeling did not meet the statistical confidence thresholds required to predict the impact of this variant on NIPBL protein function. In summary, the available evidence is currently insufficient to determine the role of this variant in disease. Therefore, it has been classified as a Variant of Uncertain Significance.

Blueprint Genetics
Classification: Likely benign. Last evaluated: 2023-01-27. Review status: criteria provided, single submitter. Criteria: ACMG Guidelines, 2015. Collection method: clinical testing. Allele origin: germline.